The following is an entry in ClinVar:

NM_001429.4(EP300):c.1651C>G (p.Pro551Ala)

Gene: EP300 (EP300 lysine acetyltransferase; plus strand). Cytogenetic location: 22q13.2.
Variant type: single nucleotide variant.
Coding change: c.1651C>G on transcript NM_001429.4 (MANE Select); coding-DNA position 1651, C replaced by G.
Protein change: p.Pro551Ala; replaces proline 551 with alanine.
Molecular consequence: missense variant.
Genome position (GRCh38, 1-based): chr22:41,137,681, C>G. VCF-style: chr22-41137681-C-G. GRCh37 (hg19) VCF-style: chr22-41533685-C-G.
Other names: c.1651C>G, p.Pro551Ala (NM_001362843.2); c.1651C>G (NM_001429.3); short protein forms P551A.
Identifiers: ClinVar variation 3626907 (VCV003626907.3).
Genomic context (GRCh38, chr22:41,137,681, plus strand): 5'-CACTAAAACTATTTGGTGACCCCTTTTTGAAGCCCAATGATGAGTGAAAATGCCAGTGTG[C>G]CCTCCCTGGGTCCTATGCCAACAGCAGCTCAACCATCCACTACTGGAATTCGGAAACAGT-3'
Protein context (NP_001420.2, residues 541-561): NPMMSENASV[Pro551Ala]SLGPMPTAAQ

ClinVar aggregate classification (germline): Conflicting classifications of pathogenicity. Review status: criteria provided, conflicting classifications (1 of 4 stars). 2 submissions from 2 submitters: Uncertain significance (1); Likely benign (1). Last evaluated 2026-03-31.

Conditions:
EP300-related disorder. Also called: EP300-related disorders; EP300-related condition.
Rubinstein-Taybi syndrome due to EP300 haploinsufficiency. Also called: EP300-Related Rubinstein-Taybi Syndrome; RUBINSTEIN-TAYBI SYNDROME 2. Identifiers: Orphanet 353284, Orphanet 783, MedGen C3150941, MONDO:0013364, OMIM 613684.

gnomAD v4.1: 2 of 1,613,964 alleles (0.00012%); highest among the groups gnomAD compares: African/African-American, 0.0027%; no homozygotes.

Submissions (2):

PreventionGenetics, part of Exact Sciences
Classification: Uncertain significance for EP300-related condition. Last evaluated: 2026-03-31. Review status: criteria provided, single submitter. Criteria: ACMG Guidelines, 2015. Collection method: clinical testing. Allele origin: germline.
Comment: The EP300 c.1651C>G variant is predicted to result in the amino acid substitution p.Pro551Ala. To our knowledge, this variant has not been reported in the literature. This variant is reported in 0.011% of alleles in individuals of African descent in gnomAD. At this time, the clinical significance of this variant is uncertain due to the absence of conclusive functional and genetic evidence.

Labcorp Genetics (formerly Invitae), Labcorp
Classification: Likely benign for Rubinstein-Taybi syndrome due to EP300 haploinsufficiency. Last evaluated: 2025-07-06. Review status: criteria provided, single submitter. Criteria: Invitae Variant Classification Sherloc (09022015). Collection method: clinical testing. Allele origin: germline.